The following is an entry in ClinVar:

ClinVar aggregate classification (germline): Uncertain significance (1 of 4 stars; one submission).

Submission:

Labcorp Genetics (formerly Invitae), Labcorp
Classification: Uncertain significance. Last evaluated: 2025-07-23. Review status: criteria provided, single submitter. Criteria: Invitae Variant Classification Sherloc (09022015). Collection method: clinical testing. Allele origin: germline.
Comment: This sequence change replaces serine, which is neutral and polar, with asparagine, which is neutral and polar, at codon 531 of the HNF1A protein (p.Ser531Asn). This variant is not present in population databases (gnomAD no frequency). This variant has not been reported in the literature in individuals affected with HNF1A-related conditions. Invitae Evidence Modeling of protein sequence and biophysical properties (such as structural, functional, and spatial information, amino acid conservation, physicochemical variation, residue mobility, and thermodynamic stability) indicates that this missense variant is not expected to disrupt HNF1A protein function with a negative predictive value of 80%. In summary, the available evidence is currently insufficient to determine the role of this variant in disease. Therefore, it has been classified as a Variant of Uncertain Significance.

NM_000545.8(HNF1A):c.1592G>A (p.Ser531Asn)

Gene: HNF1A (HNF1 homeobox A; plus strand). Cytogenetic location: 12q24.31.
Variant type: single nucleotide variant.
Coding change: c.1592G>A on transcript NM_000545.8 (MANE Select); coding-DNA position 1592, G replaced by A.
Protein change: p.Ser531Asn; replaces serine 531 with asparagine.
Molecular consequence: missense variant.
Genome position (GRCh38, 1-based): chr12:120,999,358, G>A. VCF-style: chr12-120999358-G-A. GRCh37 (hg19) VCF-style: chr12-121437161-G-A.
Other names: c.1592G>A, p.Ser531Asn (NM_001306179.2); c.1400G>A, p.Ser467Asn (NM_001406915.1); short protein forms S467N, S531N.
Identifiers: ClinVar variation 4811917 (VCV004811917.1).